The following is an entry in ClinVar:

NM_000222.3(KIT):c.1067C>G (p.Thr356Ser)

Gene: KIT (KIT proto-oncogene, receptor tyrosine kinase; plus strand). Cytogenetic location: 4q12.
Variant type: single nucleotide variant.
Coding change: c.1067C>G on transcript NM_000222.3 (MANE Select); coding-DNA position 1067, C replaced by G.
Protein change: p.Thr356Ser; replaces threonine 356 with serine.
Molecular consequence: missense variant.
Genome position (GRCh38, 1-based): chr4:54,707,239, C>G. VCF-style: chr4-54707239-C-G. GRCh37 (hg19) VCF-style: chr4-55573405-C-G.
Other names: c.1067C>G, p.Thr356Ser (NM_001093772.2, NM_001385285.1, NM_001385286.1); c.1070C>G, p.Thr357Ser (NM_001385284.1, NM_001385288.1, NM_001385290.1 and 1 more transcripts); short protein forms T357S, T356S.
Identifiers: ClinVar variation 2587859 (VCV002587859.2), dbSNP rs2109705705, ClinGen allele CA356901089.
Genomic context (GRCh38, chr4:54,707,239, plus strand): 5'-AATATGAAGCATTCCCCAAACCTGAACACCAGCAGTGGATCTATATGAACAGAACCTTCA[C>G]TGATAAATGGGAAGATTATCCCAAGTCTGAGAATGAAAGTAATATCAGGTAAGAAATGGA-3'
Protein context (NP_000213.1, residues 346-366): QQWIYMNRTF[Thr356Ser]DKWEDYPKSE

ClinVar aggregate classification (germline): Uncertain significance (1 of 4 stars; one submission).

Conditions:
Hereditary cancer-predisposing syndrome. Also called: Tumor predisposition; Hereditary Cancer Syndrome; Hereditary neoplastic syndrome; Neoplastic Syndromes, Hereditary. Identifiers: Orphanet 140162, MedGen C0027672, MeSH D009386, MONDO:0015356.

Submission:

Ambry Genetics
Classification: Uncertain significance for Hereditary cancer-predisposing syndrome. Last evaluated: 2023-07-01. Review status: criteria provided, single submitter. Criteria: Ambry Variant Classification Scheme 2023. Collection method: clinical testing. Allele origin: germline.
Comment: The p.T356S variant (also known as c.1067C>G), located in coding exon 6 of the KIT gene, results from a C to G substitution at nucleotide position 1067. The threonine at codon 356 is replaced by serine, an amino acid with similar properties. This amino acid position is conserved. In addition, this alteration is predicted to be tolerated by in silico analysis. Since supporting evidence is limited at this time, the clinical significance of this alteration remains unclear.